The following is an entry in ClinVar:

ClinVar aggregate classification (germline): Uncertain significance. Review status: criteria provided, single submitter (1 of 4 stars). 2 submissions from 2 submitters: Uncertain significance (1). 1 of the submissions does not count toward it. Last evaluated 2023-09-29.

Conditions:
Lethal multiple pterygium syndrome (LMPS). Identifiers: Orphanet 33108, MedGen C1854678, MONDO:0009668, OMIM 253290.
CHRNA1-related disorder. Also called: CHRNA1-related condition.

Submissions (2):

Labcorp Genetics (formerly Invitae), Labcorp
Classification: Uncertain significance for Lethal multiple pterygium syndrome. Last evaluated: 2023-09-29. Review status: criteria provided, single submitter. Criteria: Invitae Variant Classification Sherloc (09022015). Collection method: clinical testing. Allele origin: germline.
Comment: This sequence change replaces tyrosine, which is neutral and polar, with asparagine, which is neutral and polar, at codon 92 of the CHRNA1 protein (p.Tyr92Asn). This variant is not present in population databases (gnomAD no frequency). This variant has not been reported in the literature in individuals affected with CHRNA1-related conditions. Advanced modeling of protein sequence and biophysical properties (such as structural, functional, and spatial information, amino acid conservation, physicochemical variation, residue mobility, and thermodynamic stability) performed at Invitae indicates that this missense variant is not expected to disrupt CHRNA1 protein function. In summary, the available evidence is currently insufficient to determine the role of this variant in disease. Therefore, it has been classified as a Variant of Uncertain Significance.

PreventionGenetics, part of Exact Sciences
Classification: Uncertain significance for CHRNA1-related condition. Last evaluated: 2024-09-23. Review status: no assertion criteria provided. Collection method: clinical testing. Allele origin: germline. Not counted in ClinVar's aggregate classification.
Comment: The CHRNA1 c.349T>A variant is predicted to result in the amino acid substitution p.Tyr117Asn. To our knowledge, this variant has not been reported in the literature or in a large population database, indicating this variant is rare. At this time, the clinical significance of this variant is uncertain due to the absence of conclusive functional and genetic evidence.

NM_000079.4(CHRNA1):c.274T>A (p.Tyr92Asn)

Gene: CHRNA1 (cholinergic receptor nicotinic alpha 1 subunit; minus strand). Cytogenetic location: 2q31.1.
Variant type: single nucleotide variant.
Coding change: c.274T>A on transcript NM_000079.4 (MANE Select); coding-DNA position 274, T replaced by A.
Protein change: p.Tyr92Asn; replaces tyrosine 92 with asparagine.
Molecular consequence: missense variant.
Genome position (GRCh38, 1-based): chr2:174,757,636, A>T on the plus strand (T>A on the coding strand, the complement: CHRNA1 is on the minus strand). VCF-style: chr2-174757636-A-T. GRCh37 (hg19) VCF-style: chr2-175622364-A-T.
Other names: c.349T>A (NM_001039523.2); c.349T>A, p.Tyr117Asn (NM_001039523.3); short protein forms Y92N, Y117N.
Identifiers: ClinVar variation 2977093 (VCV002977093.4), dbSNP rs2468899638, ClinGen allele CA349343723.